The following is an entry in ClinVar:

NM_000492.4(CFTR):c.1712T>G (p.Leu571Ter)

Gene: CFTR (CF transmembrane conductance regulator; plus strand). Cytogenetic location: 7q31.2.
Variant type: single nucleotide variant.
Coding change: c.1712T>G on transcript NM_000492.4 (MANE Select); coding-DNA position 1712, T replaced by G.
Protein change: p.Leu571Ter; replaces leucine 571 with a stop codon.
Molecular consequence: nonsense.
Genome position (GRCh38, 1-based): chr7:117,590,385, T>G. VCF-style: chr7-117590385-T-G. GRCh37 (hg19) VCF-style: chr7-117230439-T-G.
Other names: short protein forms L571*.
Identifiers: ClinVar variation 4818482 (VCV004818482.1).

ClinVar aggregate classification (germline): Likely pathogenic (1 of 4 stars; one submission).

Conditions:
CFTR-related disorder (CFTR-RD). Also called: CFTR-related disorders; CFTR-related condition. Identifiers: MedGen C5924204, MONDO:7770004.

Submission:

Natera, Inc.
Classification: Likely pathogenic for CFTR-related disorders. Last evaluated: 2024-03-13. Review status: criteria provided, single submitter. Criteria: Natera Variant Classification Schema (03/2026). Collection method: clinical testing. Allele origin: germline.
Comment: The c.1712T>G variant in CFTR is a nonsense variant predicted to introduce a stop codon at amino acid 571. This variant is expected to result in nonsense mediated decay, truncation, or a dysfunctional protein product. This variant is rare in the general population with a frequency below the threshold expected for the associated phenotype(s). Given the available evidence, this variant is classified as Likely Pathogenic.